The following is an entry in ClinVar:

ClinVar aggregate classification (germline): Uncertain significance (1 of 4 stars; one submission).

Allele frequency attached by ClinVar (database versions not stated): gnomAD exomes 0.00001.
gnomAD v4.1: 12 of 1,472,658 alleles (0.00081%); highest among the groups gnomAD compares: Non-Finnish European, 0.00098%; no homozygotes.

Submission:

Labcorp Genetics (formerly Invitae), Labcorp
Classification: Uncertain significance. Last evaluated: 2024-10-07. Review status: criteria provided, single submitter. Criteria: Invitae Variant Classification Sherloc (09022015). Collection method: clinical testing. Allele origin: germline.
Comment: This sequence change replaces arginine, which is basic and polar, with lysine, which is basic and polar, at codon 151 of the MESP2 protein (p.Arg151Lys). The frequency data for this variant in the population databases is considered unreliable, as metrics indicate poor data quality at this position in the gnomAD database. This variant has not been reported in the literature in individuals affected with MESP2-related conditions. ClinVar contains an entry for this variant (Variation ID: 2159845). Invitae Evidence Modeling of protein sequence and biophysical properties (such as structural, functional, and spatial information, amino acid conservation, physicochemical variation, residue mobility, and thermodynamic stability) indicates that this missense variant is not expected to disrupt MESP2 protein function with a negative predictive value of 80%. In summary, the available evidence is currently insufficient to determine the role of this variant in disease. Therefore, it has been classified as a Variant of Uncertain Significance.

NM_001039958.2(MESP2):c.452G>A (p.Arg151Lys)

Gene: MESP2 (mesoderm posterior bHLH transcription factor 2; plus strand). Cytogenetic location: 15q26.1.
Variant type: single nucleotide variant.
Coding change: c.452G>A on transcript NM_001039958.2 (MANE Select); coding-DNA position 452, G replaced by A.
Protein change: p.Arg151Lys; replaces arginine 151 with lysine.
Molecular consequence: missense variant.
Genome position (GRCh38, 1-based): chr15:89,776,809, G>A. VCF-style: chr15-89776809-G-A. GRCh37 (hg19) VCF-style: chr15-90320040-G-A.
Other names: short protein forms R151K.
Identifiers: ClinVar variation 2159845 (VCV002159845.3), dbSNP rs1322431773, ClinGen allele CA393770314.
Genomic context (GRCh38, chr15:89,776,809, plus strand): 5'-ACATCGGCCACCTATCGGCCGTGCTGGGTCTCAGCGAGGAGAGTCTGCAGTGCCGGCGCA[G>A]GCAGCGCGGGGACGCGGGGTCCCCTTGGGGCTGCCCGCTGTGCCCCGACCGTGGCCCCGC-3'
Protein context (NP_001035047.1, residues 141-161): LSEESLQCRR[Arg151Lys]QRGDAGSPWG